The following is an entry in ClinVar:

ClinVar aggregate classification (germline): Pathogenic/Likely pathogenic. Review status: criteria provided, multiple submitters, no conflicts (2 of 4 stars). 4 submissions from 4 submitters: Pathogenic (2); Likely pathogenic (1). 1 of the submissions does not count toward it. Last evaluated 2023-12-08.

Conditions:
Mucopolysaccharidosis type 7 (MPS7). Also called: MPS VII; BETA-GLUCURONIDASE DEFICIENCY; SLY SYNDROME; GUSB DEFICIENCY. Identifiers: Orphanet 584, MedGen C0085132, MONDO:0009662, OMIM 253220.

Allele frequency attached by ClinVar (database versions not stated): TOPMed below 0.00001; ExAC 0.00001; gnomAD 0.00001; gnomAD exomes 0.00002.

Submissions (4):

GeneDx
Classification: Pathogenic. Last evaluated: 2023-12-08. Review status: criteria provided, single submitter. Criteria: GeneDx Variant Classification Process June 2021. Collection method: clinical testing. Allele origin: germline. Affected: yes.
Comment: Published functional studies found this variant is associated with significantly reduced enzyme activity (PMID: 8644704); In silico analysis supports that this missense variant has a deleterious effect on protein structure/function; Not observed at significant frequency in large population cohorts (gnomAD); This variant is associated with the following publications: (PMID: 25525159, 28595941, 19224584, 26415878, 9099834, 8644704, 1833732, 8111412)

Women's Health and Genetics/Laboratory Corporation of America, LabCorp
Classification: Pathogenic for Mucopolysaccharidosis type 7. Last evaluated: 2022-10-27. Review status: criteria provided, single submitter. Criteria: LabCorp Variant Classification Summary - May 2015. Collection method: clinical testing. Allele origin: germline.
Comment: Variant summary: GUSB c.646C>T (p.Arg216Trp) results in a non-conservative amino acid change located in the Overlapping homologous superfamilies domain(IPR006104) of the encoded protein sequence. Five of five in-silico tools predict a damaging effect of the variant on protein function. The variant allele was found at a frequency of 2e-05 in 251436 control chromosomes (gnomAD). c.646C>T has been reported in the literature in individuals affected with Mucopolysaccharidosis Type VII (Sly Syndrome)(examples: Vervoort_1997, Vervoort_1996, Vervoort_1993). These data indicate that the variant is likely to be associated with disease. At least one publication reports experimental evidence evaluating an impact on protein function. The most pronounced variant effect results in <10% of normal activity (examples:Vervoort_1996). No clinical diagnostic laboratories have submitted clinical-significance assessments for this variant to ClinVar after 2014. Based on the evidence outlined above, the variant was classified as pathogenic.

Fulgent Genetics
Classification: Likely pathogenic for Mucopolysaccharidosis type 7. Last evaluated: 2022-01-11. Review status: criteria provided, single submitter. Criteria: ACMG Guidelines, 2015. Collection method: clinical testing. Allele origin: unknown.

OMIM
Classification: Pathogenic for MUCOPOLYSACCHARIDOSIS, TYPE VII. Last evaluated: 1993-01-01. Review status: no assertion criteria provided. Collection method: literature only. Allele origin: germline. Not counted in ClinVar's aggregate classification.

Literature cited by the submitters: PubMed 19224584 (cited by Women's Health and Genetics/Laboratory Corporation of America, LabCorp); PubMed 8644704 (cited by Women's Health and Genetics/Laboratory Corporation of America, LabCorp); PubMed 9099834 (cited by Women's Health and Genetics/Laboratory Corporation of America, LabCorp); PubMed 28595941 (cited by Women's Health and Genetics/Laboratory Corporation of America, LabCorp); PubMed 8111412 (cited by Women's Health and Genetics/Laboratory Corporation of America, LabCorp and OMIM); PubMed 1833732 (cited by OMIM).

NM_000181.4(GUSB):c.646C>T (p.Arg216Trp)

Gene: GUSB (glucuronidase beta; minus strand). Cytogenetic location: 7q11.21.
Variant type: single nucleotide variant.
Coding change: c.646C>T on transcript NM_000181.4 (MANE Select); coding-DNA position 646, C replaced by T.
Protein change: p.Arg216Trp; replaces arginine 216 with tryptophan.
Molecular consequence: missense variant. On other transcripts: non-coding transcript variant (1), intron variant (2).
Genome position (GRCh38, 1-based): chr7:65,979,477, G>A on the plus strand (C>T on the coding strand, the complement: GUSB is on the minus strand). VCF-style: chr7-65979477-G-A. GRCh37 (hg19) VCF-style: chr7-65444464-G-A.
Other names: c.76C>T, p.Arg26Trp (NM_001293104.2); c.67+747C>T (NM_001293105.2); c.474+357C>T (NM_001284290.2); short protein forms R216W, R26W.
Identifiers: ClinVar variation 895 (VCV000000895.4), dbSNP rs121918174, ClinGen allele CA339839.
Genomic context (GRCh38, chr7:65,979,477, plus strand): 5'-TGGTGGTGACGGTGATGTCATCGATGTAGGTGGTGGGTGTCGTGTACAGAAGTACAGACC[G>A]CTGCAGTCCAGCGTAGTTGAAAAAGTCAAAATATGTGTTCTGGACAAAGTAACCCTTGGG-3'
Protein context (NP_000172.2, residues 206-226): FDFFNYAGLQ[Arg216Trp]SVLLYTTPTT